The following is an entry in ClinVar:

ClinVar aggregate classification (germline): Benign/Likely benign. Review status: criteria provided, multiple submitters, no conflicts (2 of 4 stars). 9 submissions from 9 submitters: Benign (2); Likely benign (7). Last evaluated 2026-01-20.

Conditions:
Joubert syndrome 17 (JBTS17). Identifiers: Orphanet 475, MedGen C3553264, MONDO:0013824, OMIM 614615.

Allele frequency attached by ClinVar (database versions not stated): gnomAD 0.00109 and 0.00113; 1000 Genomes Project 30x 0.00125; gnomAD exomes 0.00178 and 0.00166; ExAC 0.00188; ESP Exome Variant Server 0.00131; TOPMed 0.00131; 1000 Genomes Project 0.00160.
gnomAD v4.1: 2,732 of 1,614,104 alleles (0.17%); highest among the groups gnomAD compares: East Asian, 0.89%; 7 homozygotes.

Submissions (9):

Labcorp Genetics (formerly Invitae), Labcorp
Classification: Likely benign. Last evaluated: 2026-01-20. Review status: criteria provided, single submitter. Criteria: Invitae Variant Classification Sherloc (09022015). Collection method: clinical testing. Allele origin: germline.

Blueprint Genetics
Classification: Likely benign. Last evaluated: 2024-11-25. Review status: criteria provided, single submitter. Criteria: ACMG Guidelines, 2015. Collection method: clinical testing. Allele origin: germline.

CeGaT Center for Human Genetics Tuebingen
Classification: Likely benign. Last evaluated: 2022-08-01. Review status: criteria provided, single submitter. Criteria: CeGaT Center For Human Genetics Tuebingen Variant Classification Criteria Version 2. Collection method: clinical testing. Allele origin: germline. Affected: yes. Observed: 1 variant allele.
Comment: CPLANE1: BP4, BS2

GeneDx
Classification: Likely benign. Last evaluated: 2021-09-27. Review status: criteria provided, single submitter. Criteria: GeneDx Variant Classification Process June 2021. Collection method: clinical testing. Allele origin: germline. Affected: yes.

Genetic Services Laboratory, University of Chicago
Classification: Likely benign. Last evaluated: 2019-04-12. Review status: criteria provided, single submitter. Criteria: ACMG Guidelines, 2015. Collection method: clinical testing. Allele origin: germline. Affected: no.

Illumina Laboratory Services, Illumina
Classification: Likely benign for Joubert syndrome 17. Last evaluated: 2018-01-13. Review status: criteria provided, single submitter. Criteria: ICSL Variant Classification Criteria 13 December 2019. Collection method: clinical testing. Allele origin: germline.
Comment: This variant was observed in the ICSL laboratory as part of a predisposition screen in an ostensibly healthy population. It had not been previously curated by ICSL or reported in the Human Gene Mutation Database (HGMD: prior to June 1st, 2018), and was therefore a candidate for classification through an automated scoring system. Utilizing variant allele frequency, disease prevalence and penetrance estimates, and inheritance mode, an automated score was calculated to assess if this variant is too frequent to cause the disease. Based on the score and internal cut-off values, a variant classified as likely benign is not then subjected to further curation. The score for this variant resulted in a classification of likely benign for this disease.

Eurofins Ntd Llc (ga)
Classification: Benign. Last evaluated: 2015-09-22. Review status: criteria provided, single submitter. Criteria: EGL Classification Definitions 2015. Collection method: clinical testing. Allele origin: germline. Observed: 1 variant allele, 1 heterozygote.

Breakthrough Genomics
Classification: Likely benign. Review status: criteria provided, single submitter. Criteria: ACMG Guidelines, 2015. Collection method: not provided. Allele origin: germline. Inheritance: Autosomal recessive inheritance. Affected: yes.

PreventionGenetics, part of Exact Sciences
Classification: Benign. Review status: criteria provided, single submitter. Criteria: ACMG Guidelines, 2015. Collection method: clinical testing. Allele origin: germline.

NM_001384732.1(CPLANE1):c.6905C>T (p.Thr2302Met)

Gene: CPLANE1 (ciliogenesis and planar polarity effector complex subunit 1; minus strand). Cytogenetic location: 5p13.2.
Variant type: single nucleotide variant.
Coding change: c.6905C>T on transcript NM_001384732.1 (MANE Select); coding-DNA position 6905, C replaced by T.
Protein change: p.Thr2302Met; replaces threonine 2302 with methionine.
Molecular consequence: missense variant.
Genome position (GRCh38, 1-based): chr5:37,169,119, G>A on the plus strand (C>T on the coding strand, the complement: CPLANE1 is on the minus strand). VCF-style: chr5-37169119-G-A. GRCh37 (hg19) VCF-style: chr5-37169221-G-A.
Other names: c.6905C>T, p.Thr2302Met (NM_023073.4); short protein forms T2302M.
Identifiers: ClinVar variation 158050 (VCV000158050.58), dbSNP rs34737149, ClinGen allele CA271183.